The following is an entry in ClinVar:

NM_015409.5(EP400):c.8175G>A (p.Gln2725=)

Gene: EP400 (E1A binding protein p400; plus strand). Cytogenetic location: 12q24.33.
Variant type: single nucleotide variant.
Coding change: c.8175G>A on transcript NM_015409.5 (MANE Select); coding-DNA position 8175, G replaced by A.
Protein change: p.Gln2725=; no amino-acid change (glutamine 2725 retained).
Molecular consequence: synonymous variant.
Genome position (GRCh38, 1-based): chr12:132,062,542, G>A. VCF-style: chr12-132062542-G-A. GRCh37 (hg19) VCF-style: chr12-132547087-G-A.
Identifiers: ClinVar variation 3038682 (VCV003038682.2), dbSNP rs12366766, ClinGen allele CA6887020.

ClinVar aggregate classification (germline): Likely benign (0 of 4 stars; one submission).

Conditions:
EP400-related disorder. Also called: EP400-related condition.

Allele frequency attached by ClinVar (database versions not stated): ExAC 0.00042; gnomAD 0.00069; 1000 Genomes Project 0.00739.

Submission:

PreventionGenetics, part of Exact Sciences
Classification: Likely benign for EP400-related condition. Last evaluated: 2019-05-21. Review status: no assertion criteria provided. Collection method: clinical testing. Allele origin: germline.
Comment: This variant is classified as likely benign based on ACMG/AMP sequence variant interpretation guidelines (Richards et al. 2015 PMID: 25741868, with internal and published modifications).